The following is an entry in ClinVar:

ClinVar aggregate classification (germline): Likely benign (1 of 4 stars; one submission).

Conditions:
PLXNA4-related disorder. Also called: PLXNA4-related condition.

gnomAD v4.1: 96 of 1,611,930 alleles (0.006%); highest among the groups gnomAD compares: Non-Finnish European, 0.001%; no homozygotes.

Submission:

PreventionGenetics, part of Exact Sciences
Classification: Likely benign for PLXNA4-related condition. Last evaluated: 2025-06-17. Review status: criteria provided, single submitter. Criteria: ACMG Guidelines, 2015. Collection method: clinical testing. Allele origin: germline.
Comment: This variant is classified as likely benign based on ACMG/AMP sequence variant interpretation guidelines (Richards et al. 2015 PMID: 25741868, with internal and published modifications).

NM_020911.2(PLXNA4):c.1883-4G>T

Gene: PLXNA4 (plexin A4; minus strand). Cytogenetic location: 7q32.3.
Variant type: single nucleotide variant.
Coding change: c.1883-4G>T on transcript NM_020911.2 (MANE Select); 4 bases into the intron before coding-DNA position 1883, G replaced by T.
Molecular consequence: intron variant.
Genome position (GRCh38, 1-based): chr7:132,226,264, C>A on the plus strand (G>T on the coding strand, the complement: PLXNA4 is on the minus strand). VCF-style: chr7-132226264-C-A. GRCh37 (hg19) VCF-style: chr7-131911023-C-A.
Other names: c.1883-4G>T (NM_001393897.1).
Identifiers: ClinVar variation 4981427 (VCV004981427.1).
Genomic context (GRCh38, chr7:132,226,264, plus strand): 5'-CGAAGGTCATGCCGGTCTCCTTTGATTTGAGCTGAAGCTGTACGACATGGTGGTCCCCTA[C>A]AAGGAGAGATGGCTGAGGGGTCAGGGAATGCTGAGGCCCCAAGCCAGGGATTCCCTGACC-3'